The following is an entry in ClinVar:

ClinVar aggregate classification (germline): Likely benign. Review status: reviewed by expert panel (3 of 4 stars). 9 submissions from 9 submitters: Likely benign (1). 8 of the submissions do not count toward it. Last evaluated 2017-06-29.

Conditions:
Hereditary cancer-predisposing syndrome. Also called: Tumor predisposition; Neoplastic Syndromes, Hereditary; Hereditary Cancer Syndrome; Hereditary neoplastic syndrome. Identifiers: Orphanet 140162, MedGen C0027672, MeSH D009386, MONDO:0015356.
Hereditary breast ovarian cancer syndrome. Also called: Hereditary breast and ovarian cancer syndrome (HBOC); Hereditary breast and ovarian cancer; Hereditary breast and ovarian cancer syndrome; Hereditary breast and/or ovarian cancer syndrome; Breast and ovarian cancer; BRCA1- and BRCA2-Associated Hereditary Breast and Ovarian Cancer. Identifiers: Orphanet 145, MedGen C0677776, MeSH D061325, MONDO:0003582. Disease mechanism: loss of function.
Breast-ovarian cancer, familial, susceptibility to, 2 (BROVCA2). Also called: BRCA2 Hereditary Breast and Ovarian Cancer. Identifiers: Orphanet 145, MedGen C2675520, MONDO:0012933, OMIM 612555. Disease mechanism: loss of function.

Allele frequency attached by ClinVar (database versions not stated): TOPMed below 0.00001; ExAC 0.00001; gnomAD 0.00001; gnomAD exomes 0.00001; ESP Exome Variant Server 0.00008.
gnomAD v4.1: 9 of 1,613,800 alleles (0.00056%); highest among the groups gnomAD compares: African/African-American, 0.0013%; no homozygotes.

Submissions (9):

Evidence-based Network for the Interpretation of Germline Mutant Alleles (ENIGMA)
Classification: Likely benign for Breast-ovarian cancer, familial, susceptibility to, 2. Last evaluated: 2017-06-29. Review status: reviewed by expert panel. Criteria: ENIGMA BRCA1/2 Classification Criteria (2017-06-29). Collection method: curation. Allele origin: germline.
Comment: Synonymous substitution variant, with low bioinformatic likelihood to result in a splicing aberration (Splicing prior probability 0.02).

Women's Health and Genetics/Laboratory Corporation of America, LabCorp
Classification: Likely benign. Last evaluated: 2026-03-22. Review status: criteria provided, single submitter. Criteria: LabCorp Variant Classification Summary - May 2015. Collection method: clinical testing. Allele origin: germline. Not counted in ClinVar's aggregate classification.

Labcorp Genetics (formerly Invitae), Labcorp
Classification: Likely benign for Hereditary breast ovarian cancer syndrome. Last evaluated: 2026-01-26. Review status: criteria provided, single submitter. Criteria: Invitae Variant Classification Sherloc (09022015). Collection method: clinical testing. Allele origin: germline. Not counted in ClinVar's aggregate classification.

All of Us Research Program, National Institutes of Health
Classification: Likely benign for Breast-ovarian cancer, familial, susceptibility to, 2. Last evaluated: 2023-08-15. Review status: criteria provided, single submitter. Criteria: ACMG Guidelines, 2015. Collection method: clinical testing. Allele origin: germline. Inheritance: Autosomal dominant inheritance. Observed: 2 variant alleles, 2 heterozygotes. Not counted in ClinVar's aggregate classification.
Comment: This study involves interpretation of variants in research participants for the purpose of population health screening. Participant phenotype was not available at the time of variant classification. Additional details can be found in publication PMID: 35346344, PMCID: PMC8962531

Quest Diagnostics Nichols Institute San Juan Capistrano
Classification: Likely benign. Last evaluated: 2020-10-23. Review status: criteria provided, single submitter. Criteria: Quest Diagnostics criteria. Collection method: clinical testing. Allele origin: unknown. Not counted in ClinVar's aggregate classification.

GeneDx
Classification: Likely benign. Last evaluated: 2017-11-08. Review status: criteria provided, single submitter. Criteria: GeneDx Variant Classification (06012015). Collection method: clinical testing. Allele origin: germline. Affected: yes. Not counted in ClinVar's aggregate classification.
Comment: This variant is considered likely benign or benign based on one or more of the following criteria: it is a conservative change, it occurs at a poorly conserved position in the protein, it is predicted to be benign by multiple in silico algorithms, and/or has population frequency not consistent with disease.

Color Diagnostics, LLC DBA Color Health
Classification: Likely benign for Hereditary cancer-predisposing syndrome. Last evaluated: 2017-07-13. Review status: criteria provided, single submitter. Criteria: ACMG Guidelines, 2015. Collection method: clinical testing. Allele origin: germline. Not counted in ClinVar's aggregate classification.

Ambry Genetics
Classification: Likely benign for Hereditary cancer-predisposing syndrome. Last evaluated: 2016-06-15. Review status: criteria provided, single submitter. Criteria: Ambry Variant Classification Scheme 2023. Collection method: clinical testing. Allele origin: germline. Not counted in ClinVar's aggregate classification.

Counsyl
Classification: Likely benign for Breast-ovarian cancer, familial, susceptibility to, 2. Last evaluated: 2016-08-03. Review status: no assertion criteria provided. Collection method: clinical testing. Allele origin: unknown. Not counted in ClinVar's aggregate classification.

NM_000059.4(BRCA2):c.1197C>G (p.Thr399=)

Gene: BRCA2 (BRCA2 DNA repair associated; plus strand). Cytogenetic location: 13q13.1.
Variant type: single nucleotide variant.
Coding change: c.1197C>G on transcript NM_000059.4 (MANE Select); coding-DNA position 1197, C replaced by G.
Protein change: p.Thr399=; no amino-acid change (threonine 399 retained).
Molecular consequence: synonymous variant.
Genome position (GRCh38, 1-based): chr13:32,332,675, C>G. VCF-style: chr13-32332675-C-G. GRCh37 (hg19) VCF-style: chr13-32906812-C-G.
Identifiers: ClinVar variation 184423 (VCV000184423.25), dbSNP rs377308954, ClinGen allele CA011119.